The following is an entry in ClinVar:

NM_000426.4(LAMA2):c.6413G>A (p.Arg2138Gln)

Gene: LAMA2 (laminin subunit alpha 2; plus strand). Cytogenetic location: 6q22.33.
Variant type: single nucleotide variant.
Coding change: c.6413G>A on transcript NM_000426.4 (MANE Select); coding-DNA position 6413, G replaced by A.
Protein change: p.Arg2138Gln; replaces arginine 2138 with glutamine.
Molecular consequence: missense variant.
Genome position (GRCh38, 1-based): chr6:129,445,805, G>A. VCF-style: chr6-129445805-G-A. GRCh37 (hg19) VCF-style: chr6-129766950-G-A.
Other names: c.6413G>A, p.Arg2138Gln (NM_001079823.2); short protein forms R2138Q.
Identifiers: ClinVar variation 1513487 (VCV001513487.5), dbSNP rs1307528497, ClinGen allele CA365632256.
Genomic context (GRCh38, chr6:129,445,805, plus strand): 5'-AACTTGAGGATAACCTAAAGAAAAACATCTCTGAGATAAAGGAATTGATAAACCAAGCTC[G>A]GAAACAAGCCAATTCTGTAAGTTCTTTTTATCGTCAGTATCAGTAACTGATTGTAATTGT-3'
Protein context (NP_000417.3, residues 2128-2148): SEIKELINQA[Arg2138Gln]KQANSIKVSV

ClinVar aggregate classification (germline): Uncertain significance (1 of 4 stars; one submission).

Conditions:
LAMA2-related muscular dystrophy (LAMA2-RD). Also called: Laminin alpha 2-related dystrophy. Identifiers: MedGen C5679788, MONDO:0100228.

Allele frequency attached by ClinVar (database versions not stated): gnomAD exomes 0.00001; gnomAD 0.00003.
gnomAD v4.1: 10 of 1,613,418 alleles (0.00062%); highest among the groups gnomAD compares: South Asian, 0.0044%; no homozygotes.

Submission:

Labcorp Genetics (formerly Invitae), Labcorp
Classification: Uncertain significance for LAMA2-related muscular dystrophy. Last evaluated: 2024-06-26. Review status: criteria provided, single submitter. Criteria: Invitae Variant Classification Sherloc (09022015). Collection method: clinical testing. Allele origin: germline.
Comment: This sequence change replaces arginine, which is basic and polar, with glutamine, which is neutral and polar, at codon 2138 of the LAMA2 protein (p.Arg2138Gln). This variant is present in population databases (no rsID available, gnomAD 0.006%). This variant has not been reported in the literature in individuals affected with LAMA2-related conditions. ClinVar contains an entry for this variant (Variation ID: 1513487). Advanced modeling of protein sequence and biophysical properties (such as structural, functional, and spatial information, amino acid conservation, physicochemical variation, residue mobility, and thermodynamic stability) performed at Invitae indicates that this missense variant is not expected to disrupt LAMA2 protein function with a negative predictive value of 95%. In summary, the available evidence is currently insufficient to determine the role of this variant in disease. Therefore, it has been classified as a Variant of Uncertain Significance.